The following is an entry in ClinVar:

NM_001243133.2(NLRP3):c.1687T>A (p.Tyr563Asn)

Gene: NLRP3 (NLR family pyrin domain containing 3; plus strand). Cytogenetic location: 1q44.
Variant type: single nucleotide variant.
Coding change: c.1687T>A on transcript NM_001243133.2 (MANE Select); coding-DNA position 1687, T replaced by A.
Protein change: p.Tyr563Asn; replaces tyrosine 563 with asparagine.
Molecular consequence: missense variant.
Genome position (GRCh38, 1-based): chr1:247,425,136, T>A. VCF-style: chr1-247425136-T-A. GRCh37 (hg19) VCF-style: chr1-247588438-T-A.
Other names: c.1687T>A, p.Tyr563Asn (NM_001079821.3, NM_001127461.3, NM_001127462.3 and 1 more transcripts); c.1693T>A, p.Tyr565Asn (NM_004895.5); short protein forms Y565N, Y563N.
Identifiers: ClinVar variation 97943 (VCV000097943.1), dbSNP rs180177479, ClinGen allele CA281250.
Genomic context (GRCh38, chr1:247,425,136, plus strand): 5'-AACGTTCCAGGGAGTCGTTTGAAGCTTCCCAGCCGAGACGTGACAGTCCTTCTGGAAAAC[T>A]ATGGCAAATTCGAAAAGGGGTATTTGATTTTTGTTGTACGTTTCCTCTTTGGCCTGGTAA-3'
Protein context (NP_001230062.1, residues 553-573): SRDVTVLLEN[Tyr563Asn]GKFEKGYLIF

ClinVar aggregate classification (germline): not provided (0 of 4 stars; one submission).

Conditions:
Familial cold autoinflammatory syndrome 1 (FCAS1). Also called: CRYOPYRIN-ASSOCIATED PERIODIC SYNDROME 1; Familial cold inflammatory syndrome 1. Identifiers: Orphanet 47045, MedGen C4551895, MONDO:0007349, OMIM 120100.

Submission:

Unité médicale des maladies autoinflammatoires, CHRU Montpellier
No classification provided. Condition: Familial cold urticaria. Review status: no classification provided. Collection method: not provided. Allele origin: unknown.
Comment: also involved in OMIM 191900 and 607115